The following is an entry in ClinVar:

ClinVar aggregate classification (germline): Likely pathogenic (0 of 4 stars; one submission).

Conditions:
KIDINS220-related disorder. Also called: KIDINS220-related condition.

Submission:

PreventionGenetics, part of Exact Sciences
Classification: Likely pathogenic for KIDINS220-related condition. Last evaluated: 2024-03-22. Review status: no assertion criteria provided. Collection method: clinical testing. Allele origin: germline.
Comment: The KIDINS220 c.608C>G variant is predicted to result in premature protein termination (p.Ser203*). To our knowledge, this variant has not been reported in the literature or in a large population database, indicating this variant is rare. Nonsense variants in KIDINS220 are expected to be pathogenic. However, this variant is located in exon 8 of 30, and therefore is expected to be pathogenic only for autosomal recessive KIDINS220-associated disorders. This variant is interpreted as likely pathogenic.

NM_020738.4(KIDINS220):c.608C>G (p.Ser203Ter)

Gene: KIDINS220 (kinase D interacting substrate 220; minus strand). Cytogenetic location: 2p25.1.
Variant type: single nucleotide variant.
Coding change: c.608C>G on transcript NM_020738.4 (MANE Select); coding-DNA position 608, C replaced by G.
Protein change: p.Ser203Ter; replaces serine 203 with a stop codon.
Molecular consequence: nonsense. On other transcripts: non-coding transcript variant (2).
Genome position (GRCh38, 1-based): chr2:8,803,123, G>C on the plus strand (C>G on the coding strand, the complement: KIDINS220 is on the minus strand). VCF-style: chr2-8803123-G-C. GRCh37 (hg19) VCF-style: chr2-8943253-G-C.
Other names: c.611C>G, p.Ser204Ter (NM_001348729.2, NM_001348731.2, NM_001348734.2 and 3 more transcripts); c.608C>G, p.Ser203Ter (NM_001348732.2, NM_001348735.2, NM_001348738.2 and 3 more transcripts); c.482C>G, p.Ser161Ter (NM_001348736.2); short protein forms S161*, S203*, S204*.
Identifiers: ClinVar variation 3353758 (VCV003353758.1).